The following is an entry in ClinVar:

NM_001039348.3(EFEMP1):c.1429C>T (p.Arg477Cys)

Gene: EFEMP1 (EGF-like fibulin extracellular matrix protein 1; minus strand). Cytogenetic location: 2p16.1.
Variant type: single nucleotide variant.
Coding change: c.1429C>T on transcript NM_001039348.3 (MANE Select); coding-DNA position 1429, C replaced by T.
Protein change: p.Arg477Cys; replaces arginine 477 with cysteine.
Molecular consequence: missense variant.
Genome position (GRCh38, 1-based): chr2:55,867,126, G>A on the plus strand (C>T on the coding strand, the complement: EFEMP1 is on the minus strand). VCF-style: chr2-55867126-G-A. GRCh37 (hg19) VCF-style: chr2-56094261-G-A.
Other names: c.1429C>T, p.Arg477Cys (NM_001039349.3); short protein forms R477C.
Identifiers: ClinVar variation 1294423 (VCV001294423.3), dbSNP rs1448130623, ClinGen allele CA347027380.

ClinVar aggregate classification (germline): Likely pathogenic. Review status: criteria provided, single submitter (1 of 4 stars). 2 submissions from 2 submitters: Likely pathogenic (1). 1 of the submissions does not count toward it. Last evaluated 2025-08-12.

Conditions:
Glaucoma 1, open angle, H. Also called: GLC1H. Identifiers: MedGen C1969811, OMIM 611276, MONDO:0012646.
Glaucoma of childhood. Also called: Childhood glaucoma; Infantile glaucoma; Pediatric glaucoma; Juvenile open angle glaucoma; Developmental glaucoma. Identifiers: Orphanet 98977, MedGen C2981140, MONDO:0020367, HP:0001087.

gnomAD v4.1: 1 of 1,613,686 alleles (0.000062%); no homozygotes.

Submissions (2):

Variantyx, Inc.
Classification: Likely pathogenic for Glaucoma 1, open angle, H. Last evaluated: 2025-08-12. Review status: criteria provided, single submitter. Criteria: Variantyx Assertion Criteria 2022. Collection method: clinical testing. Allele origin: de novo. Inheritance: Autosomal dominant inheritance. Affected: yes.
Comment: This is a nonsynonymous variant in the EFEMP1 gene (OMIM: 601548). Pathogenic variants in this gene have been associated with autosomal dominant open-angle glaucoma 1H. This variant has been reported in at least three unrelated individuals with open-angle glaucoma (PMID: 32476818, 34923728, 38083999) (PS4_Moderate). Functional studies have shown that this variant alters EFEMP1 protein function (PMID: 34923728) (PS3_Moderate). Multiple computational algorithms predict a deleterious effect for this variant (REVEL score: 0.744) (PP3). This variant is absent from control populations (PM2). Based on the current evidence, this variant is classified as likely pathogenic for autosomal dominant¬†open-angle glaucoma 1H.

Janey Wiggs Laboratory, Massachusetts Eye and Ear, Harvard Medical School
Classification: Likely pathogenic for Glaucoma of childhood. Last evaluated: 2021-09-23. Review status: no assertion criteria provided. Collection method: research. Allele origin: germline. Inheritance: Autosomal dominant inheritance. Affected: yes. Observed: 1 heterozygote. Not counted in ClinVar's aggregate classification.
Comment: The c.1429C>T variant in EFEMP1 causes a missense change (p.Arg477Cys). Additionally, invitro functional studies indicate that c.1429C>T causes intracellular protein aggregation potentially related to disease pathogenesis. In summary the c.1429C>T variant meets criteria to be classified as likely pathogenic based upon absence from controls and functional evidence.

Literature cited by the submitters: PubMed 34923728 (cited by Variantyx, Inc.); PubMed 32476818 (cited by Variantyx, Inc.).